The following is an entry in ClinVar:

ClinVar aggregate classification (germline): Conflicting classifications of pathogenicity. Review status: criteria provided, conflicting classifications (1 of 4 stars). 3 submissions from 3 submitters: Likely pathogenic (1); Uncertain significance (2). Last evaluated 2025-10-29.

Conditions:
Dilated cardiomyopathy 1GG (CMD1GG). Identifiers: Orphanet 154, MedGen C3150898, MONDO:0013339, OMIM 613642.
Mitochondrial complex II deficiency, nuclear type 1. Also called: SUCCINATE CoQ REDUCTASE DEFICIENCY. Identifiers: Orphanet 3208, MedGen C5700310, MONDO:0100294, OMIM 252011.
Pheochromocytoma/paraganglioma syndrome 5. Also called: Paragangliomas 5; SDHA-Related Hereditary Paraganglioma-Pheochromocytoma Syndrome. Identifiers: Orphanet 29072, MedGen C3279992, MONDO:0013602, OMIM 614165.
Hereditary cancer-predisposing syndrome. Also called: Neoplastic Syndromes, Hereditary; Tumor predisposition; Hereditary neoplastic syndrome; Hereditary Cancer Syndrome. Identifiers: Orphanet 140162, MedGen C0027672, MeSH D009386, MONDO:0015356.

Allele frequency attached by ClinVar (database versions not stated): gnomAD exomes below 0.00001.
gnomAD v4.1: 2 of 1,614,254 alleles (0.00012%); highest among the groups gnomAD compares: Non-Finnish European, 0.00017%; no homozygotes.

Submissions (3):

Labcorp Genetics (formerly Invitae), Labcorp
Classification: Uncertain significance for Pheochromocytoma/paraganglioma syndrome 5; Mitochondrial complex II deficiency, nuclear type 1. Last evaluated: 2025-10-29. Review status: criteria provided, single submitter. Criteria: Invitae Variant Classification Sherloc (09022015). Collection method: clinical testing. Allele origin: germline.
Comment: This sequence change replaces glutamic acid, which is acidic and polar, with lysine, which is basic and polar, at codon 314 of the SDHA protein (p.Glu314Lys). This variant is present in population databases (no rsID available, gnomAD 0.0009%). This missense change has been observed in individual(s) with clinical features of hereditary paraganglioma-pheochromocytoma syndrome (PMID: 28384794). ClinVar contains an entry for this variant (Variation ID: 539670). Invitae Evidence Modeling of protein sequence and biophysical properties (such as structural, functional, and spatial information, amino acid conservation, physicochemical variation, residue mobility, and thermodynamic stability) has been performed for this missense variant. However, the output from this modeling did not meet the statistical confidence thresholds required to predict the impact of this variant on SDHA protein function. In summary, the available evidence is currently insufficient to determine the role of this variant in disease. Therefore, it has been classified as a Variant of Uncertain Significance.

Ambry Genetics
Classification: Likely pathogenic for Hereditary cancer-predisposing syndrome. Last evaluated: 2025-10-03. Review status: criteria provided, single submitter. Criteria: Ambry Variant Classification Scheme 2023. Collection method: clinical testing. Allele origin: germline.
Comment: The p.E314K variant (also known as c.940G>A), located in coding exon 8 of the SDHA gene, results from a G to A substitution at nucleotide position 940. The glutamic acid at codon 314 is replaced by lysine, an amino acid with similar properties. This alteration was identified in at least three individuals diagnosed with an early-onset paraganglioma or gastrointestinal stromal tumor (Bausch B et al. JAMA Oncol. 2017 Sep;3:1204-1212; Ambry internal data). This variant is considered to be rare based on population cohorts in the Genome Aggregation Database (gnomAD). This amino acid position is highly conserved in available vertebrate species. In addition, this alteration is predicted to be deleterious by in silico analysis. Based on the majority of available evidence to date, this variant is likely to be pathogenic.

Baylor Genetics
Classification: Uncertain significance for Dilated cardiomyopathy 1GG. Last evaluated: 2023-12-27. Review status: criteria provided, single submitter. Criteria: ACMG Guidelines, 2015. Collection method: clinical testing. Allele origin: unknown.

Literature cited by the submitters: PubMed 28384794 (cited by Labcorp Genetics (formerly Invitae), Labcorp and Ambry Genetics).

NM_004168.4(SDHA):c.940G>A (p.Glu314Lys)

Gene: SDHA (succinate dehydrogenase complex flavoprotein subunit A; plus strand). Cytogenetic location: 5p15.33.
Variant type: single nucleotide variant.
Coding change: c.940G>A on transcript NM_004168.4 (MANE Select); coding-DNA position 940, G replaced by A.
Protein change: p.Glu314Lys; replaces glutamic acid 314 with lysine.
Molecular consequence: missense variant.
Genome position (GRCh38, 1-based): chr5:233,521, G>A. VCF-style: chr5-233521-G-A. GRCh37 (hg19) VCF-style: chr5-233636-G-A.
Other names: c.796G>A, p.Glu266Lys (NM_001294332.2); c.940G>A, p.Glu314Lys (NM_001330758.2); short protein forms E314K, E266K.
Identifiers: ClinVar variation 539670 (VCV000539670.14), dbSNP rs1337704280, ClinGen allele CA359012620.